The following is an entry in ClinVar:

ClinVar aggregate classification (germline): Pathogenic (1 of 4 stars; one submission).

Submission:

Labcorp Genetics (formerly Invitae), Labcorp
Classification: Pathogenic. Last evaluated: 2021-01-02. Review status: criteria provided, single submitter. Criteria: Invitae Variant Classification Sherloc (09022015). Collection method: clinical testing. Allele origin: germline.
Comment: This variant is not present in population databases (ExAC no frequency). For these reasons, this variant has been classified as Pathogenic. Algorithms developed to predict the effect of sequence changes on RNA splicing suggest that this variant may disrupt the consensus splice site, but this prediction has not been confirmed by published transcriptional studies. Disruption of this splice site has been observed in individual(s) with hypophophatemic rickets (PMID: 10737991, 30682568). This sequence change affects a donor splice site in intron 3 of the PHEX gene. It is expected to disrupt RNA splicing. Variants that disrupt the donor or acceptor splice site typically lead to a loss of protein function (PMID: 16199547), and loss-of-function variants in PHEX are known to be pathogenic (PMID: 9097956, 9106524, 19219621).

Literature cited by the submitters: PubMed 10737991; PubMed 30682568; PubMed 16199547; PubMed 9097956; PubMed 9106524; PubMed 19219621.

NM_000444.6(PHEX):c.349+1G>T

Gene: PHEX (phosphate regulating endopeptidase X-linked; plus strand). Cytogenetic location: Xp22.11.
Variant type: single nucleotide variant.
Coding change: c.349+1G>T on transcript NM_000444.6 (MANE Select); the canonical splice donor site of the intron after coding-DNA position 349, G replaced by T.
Molecular consequence: splice donor variant.
Genome position (GRCh38, 1-based): chrX:22,047,212, G>T. VCF-style: chrX-22047212-G-T. GRCh37 (hg19) VCF-style: chrX-22065330-G-T.
Other names: c.349+1G>T (NM_001282754.2).
Identifiers: ClinVar variation 1456852 (VCV001456852.8), dbSNP rs193922459, ClinGen allele CA412568180.
Genomic context (GRCh38, chrX:22,047,212, plus strand): 5'-ATATGCCAAGCTATGGGGTTTATCCTTGGCTGAGACATAATGTTGACCTCAAGTTGAAGG[G>T]TAAGTTTCTACTGGGGTTTGGTGATACACTTTATAGAGAGCAATATTTGACAGGAAAAAC-3'